The following is an entry in ClinVar:

ClinVar aggregate classification (germline): Uncertain significance. Review status: criteria provided, multiple submitters, no conflicts (2 of 4 stars). 5 submissions from 5 submitters: Uncertain significance (5). Last evaluated 2024-02-23.

Conditions:
Hereditary breast ovarian cancer syndrome. Also called: Breast and ovarian cancer; Hereditary breast and ovarian cancer; Hereditary breast and ovarian cancer syndrome; Hereditary breast and/or ovarian cancer syndrome; BRCA1- and BRCA2-Associated Hereditary Breast and Ovarian Cancer; Hereditary breast and ovarian cancer syndrome (HBOC). Identifiers: Orphanet 145, MedGen C0677776, MeSH D061325, MONDO:0003582. Disease mechanism: loss of function.
Hereditary cancer-predisposing syndrome. Also called: Tumor predisposition; Hereditary Cancer Syndrome; Neoplastic Syndromes, Hereditary; Hereditary neoplastic syndrome. Identifiers: Orphanet 140162, MedGen C0027672, MeSH D009386, MONDO:0015356.
Breast-ovarian cancer, familial, susceptibility to, 1 (BROVCA1). Also called: BRCA1 Hereditary Breast and Ovarian Cancer; OVARIAN CANCER, SUSCEPTIBILITY TO. Identifiers: Orphanet 145, MedGen C2676676, MONDO:0011450, OMIM 604370. Disease mechanism: loss of function.

gnomAD v4.1: 3 of 1,614,162 alleles (0.00019%); highest among the groups gnomAD compares: Non-Finnish European, 0.00017%; no homozygotes.

Submissions (5):

Labcorp Genetics (formerly Invitae), Labcorp
Classification: Uncertain significance for Hereditary breast ovarian cancer syndrome. Last evaluated: 2024-02-23. Review status: criteria provided, single submitter. Criteria: Invitae Variant Classification Sherloc (09022015). Collection method: clinical testing. Allele origin: germline.
Comment: This sequence change replaces serine, which is neutral and polar, with isoleucine, which is neutral and non-polar, at codon 1423 of the BRCA1 protein (p.Ser1423Ile). This variant is not present in population databases (gnomAD no frequency). This variant has not been reported in the literature in individuals affected with BRCA1-related conditions. ClinVar contains an entry for this variant (Variation ID: 233009). Advanced modeling of protein sequence and biophysical properties (such as structural, functional, and spatial information, amino acid conservation, physicochemical variation, residue mobility, and thermodynamic stability) performed at Invitae indicates that this missense variant is not expected to disrupt BRCA1 protein function with a negative predictive value of 95%. In summary, the available evidence is currently insufficient to determine the role of this variant in disease. Therefore, it has been classified as a Variant of Uncertain Significance.

Ambry Genetics
Classification: Uncertain significance for Hereditary cancer-predisposing syndrome. Last evaluated: 2024-01-30. Review status: criteria provided, single submitter. Criteria: Ambry Variant Classification Scheme 2023. Collection method: clinical testing. Allele origin: germline.
Comment: The p.S1423I variant (also known as c.4268G>T), located in coding exon 11 of the BRCA1 gene, results from a G to T substitution at nucleotide position 4268. The serine at codon 1423 is replaced by isoleucine, an amino acid with dissimilar properties. This amino acid position is well conserved in available vertebrate species. In addition, the in silico prediction for this alteration is inconclusive. Since supporting evidence is limited at this time, the clinical significance of this alteration remains unclear.

Quest Diagnostics Nichols Institute San Juan Capistrano
Classification: Uncertain significance. Last evaluated: 2023-03-21. Review status: criteria provided, single submitter. Criteria: Quest Diagnostics criteria. Collection method: clinical testing. Allele origin: unknown.
Comment: It has not been reported in large, multi-ethnic general populations. In the published literature, the variant has been reported in a large breast cancer association study in a healthy individual (PMID: 33471991 (2021)). Analysis of this variant using bioinformatics tools for the prediction of the effect of amino acid changes on protein structure and function yielded conflicting predictions that this variant is benign or damaging. Based on the available information, we are unable to determine the clinical significance of this variant.

GeneDx
Classification: Uncertain significance. Last evaluated: 2021-07-26. Review status: criteria provided, single submitter. Criteria: GeneDx Variant Classification Process June 2021. Collection method: clinical testing. Allele origin: germline. Affected: yes.
Comment: Not observed at significant frequency in large population cohorts (Lek et al., 2016); In silico analysis supports that this missense variant has a deleterious effect on protein structure/function; Has not been previously published as pathogenic or benign to our knowledge; Also known as 4387G>T; This variant is associated with the following publications: (PMID: 15343273, 22737296, 19369211, 27535533)

Illumina Laboratory Services, Illumina
Classification: Uncertain significance for Breast-ovarian cancer, familial, susceptibility to, 1. Last evaluated: 2017-04-27. Review status: criteria provided, single submitter. Criteria: ICSL Variant Classification Criteria 13 December 2019. Collection method: clinical testing. Allele origin: germline.

Literature cited by the submitters: PubMed 33471991 (cited by Quest Diagnostics Nichols Institute San Juan Capistrano).

NM_007294.4(BRCA1):c.4268G>T (p.Ser1423Ile)

Gene: BRCA1 (BRCA1 DNA repair associated; minus strand). Cytogenetic location: 17q21.31.
Variant type: single nucleotide variant.
Coding change: c.4268G>T on transcript NM_007294.4 (MANE Select); coding-DNA position 4268, G replaced by T.
Protein change: p.Ser1423Ile; replaces serine 1423 with isoleucine.
Molecular consequence: missense variant. On other transcripts: non-coding transcript variant (1).
Genome position (GRCh38, 1-based): chr17:43,082,493, C>A on the plus strand (G>T on the coding strand, the complement: BRCA1 is on the minus strand). VCF-style: chr17-43082493-C-A. GRCh37 (hg19) VCF-style: chr17-41234510-C-A.
Other names: c.4055G>T, p.Ser1352Ile (NM_001407571.1, NM_001407853.1, NM_001407894.1 and 12 more transcripts); c.4268G>T, p.Ser1423Ile (NM_001407581.1, NM_001407582.1, NM_001407583.1 and 23 more transcripts); c.4265G>T, p.Ser1422Ile (NM_001407587.1, NM_001407590.1, NM_001407591.1 and 21 more transcripts); c.4262G>T, p.Ser1421Ile (NM_001407644.1, NM_001407645.1, NM_001407627.1 and 5 more transcripts); c.4190G>T, p.Ser1397Ile (NM_001407658.1, NM_001407653.1, NM_001407654.1 and 2 more transcripts); c.4184G>T, p.Ser1395Ile (NM_001407659.1, NM_001407660.1); c.4187G>T, p.Ser1396Ile (NM_001407661.1, NM_001407662.1, NM_001407663.1 and 1 more transcripts); c.4145G>T, p.Ser1382Ile (NM_001407664.1, NM_001407665.1, NM_001407666.1 and 13 more transcripts); and 51 more; short protein forms S1423I, S1376I, S320I, S1312I, S1351I, S1419I, S1421I, S1422I.
Identifiers: ClinVar variation 233009 (VCV000233009.23), dbSNP rs876660129, ClinGen allele CA10580527.